The following is an entry in ClinVar:

NM_001128228.3(TPRN):c.691C>T (p.Arg231Trp)

Gene: TPRN (taperin; minus strand). Cytogenetic location: 9q34.3.
Variant type: single nucleotide variant.
Coding change: c.691C>T on transcript NM_001128228.3 (MANE Select); coding-DNA position 691, C replaced by T.
Protein change: p.Arg231Trp; replaces arginine 231 with tryptophan.
Molecular consequence: missense variant.
Genome position (GRCh38, 1-based): chr9:137,200,021, G>A on the plus strand (C>T on the coding strand, the complement: TPRN is on the minus strand). VCF-style: chr9-137200021-G-A. GRCh37 (hg19) VCF-style: chr9-140094473-G-A.
Other names: c.691C>T (NM_001128228.2); short protein forms R231W.
Identifiers: ClinVar variation 288938 (VCV000288938.12), dbSNP rs886044045, ClinGen allele CA10606272.

ClinVar aggregate classification (germline): Uncertain significance. Review status: criteria provided, multiple submitters, no conflicts (2 of 4 stars). 5 submissions from 5 submitters: Uncertain significance (5). Last evaluated 2025-11-10.

Conditions:
Autosomal recessive nonsyndromic hearing loss 79. Identifiers: Orphanet 90636, MedGen C2750082, MONDO:0013215, OMIM 613307.
Inborn genetic diseases. Identifiers: MedGen C0950123, MeSH D030342.

Allele frequency attached by ClinVar (database versions not stated): gnomAD exomes 0.00002; gnomAD 0.00004 and 0.00005; TOPMed 0.00005.

Submissions (5):

Labcorp Genetics (formerly Invitae), Labcorp
Classification: Uncertain significance. Last evaluated: 2025-11-10. Review status: criteria provided, single submitter. Criteria: Invitae Variant Classification Sherloc (09022015). Collection method: clinical testing. Allele origin: germline.
Comment: This sequence change replaces arginine, which is basic and polar, with tryptophan, which is neutral and slightly polar, at codon 231 of the TPRN protein (p.Arg231Trp). This variant is present in population databases (no rsID available, gnomAD 0.006%). This variant has not been reported in the literature in individuals affected with TPRN-related conditions. ClinVar contains an entry for this variant (Variation ID: 288938). Invitae Evidence Modeling of protein sequence and biophysical properties (such as structural, functional, and spatial information, amino acid conservation, physicochemical variation, residue mobility, and thermodynamic stability) has been performed for this missense variant. However, the output from this modeling did not meet the statistical confidence thresholds required to predict the impact of this variant on TPRN protein function. In summary, the available evidence is currently insufficient to determine the role of this variant in disease. Therefore, it has been classified as a Variant of Uncertain Significance.

GeneDx
Classification: Uncertain significance. Last evaluated: 2022-11-17. Review status: criteria provided, single submitter. Criteria: GeneDx Variant Classification Process June 2021. Collection method: clinical testing. Allele origin: germline. Affected: yes.
Comment: Not observed at significant frequency in large population cohorts (gnomAD); In silico analysis supports that this missense variant does not alter protein structure/function; Has not been previously published as pathogenic or benign to our knowledge

Ambry Genetics
Classification: Uncertain significance for Inborn genetic diseases. Last evaluated: 2022-02-11. Review status: criteria provided, single submitter. Criteria: Ambry Variant Classification Scheme 2023. Collection method: clinical testing. Allele origin: germline.

Fulgent Genetics
Classification: Uncertain significance for Autosomal recessive nonsyndromic hearing loss 79. Last evaluated: 2021-09-08. Review status: criteria provided, single submitter. Criteria: ACMG Guidelines, 2015. Collection method: clinical testing. Allele origin: unknown.

Eurofins Ntd Llc (ga)
Classification: Uncertain significance. Last evaluated: 2016-07-13. Review status: criteria provided, single submitter. Criteria: EGL Classification Definitions 2015. Collection method: clinical testing. Allele origin: germline. Observed: 1 variant allele, 1 heterozygote.